The following is an entry in ClinVar:

ClinVar aggregate classification (germline): Uncertain significance. Review status: criteria provided, single submitter (1 of 4 stars). 2 submissions from 2 submitters: Uncertain significance (1). 1 of the submissions does not count toward it. Last evaluated 2024-01-09.

Conditions:
ABCA13-related disorder. Also called: ABCA13-related condition.

Allele frequency attached by ClinVar (database versions not stated): 1000 Genomes Project 30x 0.00016; 1000 Genomes Project 0.00020; ExAC 0.00103; gnomAD 0.00125; TOPMed 0.00132; ESP Exome Variant Server 0.00145; gnomAD exomes 0.00204.
gnomAD v4.1: 3,165 of 1,613,060 alleles (0.2%); highest among the groups gnomAD compares: Non-Finnish European, 0.25%; 11 homozygotes.

Submissions (2):

Ambry Genetics
Classification: Uncertain significance. Last evaluated: 2024-01-09. Review status: criteria provided, single submitter. Criteria: Ambry Variant Classification Scheme 2023. Collection method: clinical testing. Allele origin: germline.

PreventionGenetics, part of Exact Sciences
Classification: Likely benign for ABCA13-related condition. Last evaluated: 2022-06-27. Review status: no assertion criteria provided. Collection method: clinical testing. Allele origin: germline. Not counted in ClinVar's aggregate classification.
Comment: This variant is classified as likely benign based on ACMG/AMP sequence variant interpretation guidelines (Richards et al. 2015 PMID: 25741868, with internal and published modifications).

NM_152701.5(ABCA13):c.4591G>A (p.Glu1531Lys)

Gene: ABCA13 (ATP binding cassette subfamily A member 13; plus strand). Cytogenetic location: 7p12.3.
Variant type: single nucleotide variant.
Coding change: c.4591G>A on transcript NM_152701.5 (MANE Select); coding-DNA position 4591, G replaced by A.
Protein change: p.Glu1531Lys; replaces glutamic acid 1531 with lysine.
Molecular consequence: missense variant.
Genome position (GRCh38, 1-based): chr7:48,274,257, G>A. VCF-style: chr7-48274257-G-A. GRCh37 (hg19) VCF-style: chr7-48313854-G-A.
Other names: c.4591G>A (NM_152701.4); short protein forms E1531K.
Identifiers: ClinVar variation 2353980 (VCV002353980.4), dbSNP rs190625179, ClinGen allele CA4257039.